The following is an entry in ClinVar:

NM_182641.4(BPTF):c.8123C>T (p.Ser2708Phe)

Gene: BPTF (bromodomain PHD finger transcription factor; plus strand). Cytogenetic location: 17q24.2.
Variant type: single nucleotide variant.
Coding change: c.8123C>T on transcript NM_182641.4 (MANE Select); coding-DNA position 8123, C replaced by T.
Protein change: p.Ser2708Phe; replaces serine 2708 with phenylalanine.
Molecular consequence: missense variant.
Genome position (GRCh38, 1-based): chr17:67,959,737, C>T. VCF-style: chr17-67959737-C-T. GRCh37 (hg19) VCF-style: chr17-65955853-C-T.
Other names: c.8072C>T, p.Ser2691Phe (NM_004459.7); short protein forms S2691F, S2708F.
Identifiers: ClinVar variation 1707004 (VCV001707004.2), dbSNP rs2513116123, ClinGen allele CA400730337.

ClinVar aggregate classification (germline): Uncertain significance (1 of 4 stars; one submission).

gnomAD v4.1: 1 of 1,613,920 alleles (0.000062%); no homozygotes.

Submission:

GeneDx
Classification: Uncertain significance. Last evaluated: 2022-03-21. Review status: criteria provided, single submitter. Criteria: GeneDx Variant Classification Process June 2021. Collection method: clinical testing. Allele origin: germline. Affected: yes.
Comment: Not observed at significant frequency in large population cohorts (gnomAD); In silico analysis supports that this missense variant has a deleterious effect on protein structure/function; Has not been previously published as pathogenic or benign to our knowledge